The following is an entry in ClinVar:

ClinVar aggregate classification (germline): Uncertain significance. Review status: criteria provided, multiple submitters, no conflicts (2 of 4 stars). 5 submissions from 5 submitters: Uncertain significance (5). Last evaluated 2025-11-24.

Conditions:
Autosomal recessive Parkinson disease 14. Also called: PARKINSON DISEASE 14; DYSTONIA-PARKINSONISM, ADULT-ONSET. Identifiers: Orphanet 199351, MedGen C2751842, MONDO:0013060, OMIM 612953.
Infantile neuroaxonal dystrophy (NBIA2A). Also called: NEURODEGENERATION WITH BRAIN IRON ACCUMULATION 2A; Infantile neuroaxonal dystrophy 1; SEITELBERGER DISEASE. Identifiers: Orphanet 35069, MedGen C0270724, MONDO:0024457, OMIM 256600.
Neurodegeneration with brain iron accumulation 2B. Also called: aNAD; atypical Neuroaxonal Dystrophy (aNAD); NEUROAXONAL DYSTROPHY, ATYPICAL; NEURODEGENERATION WITH BRAIN IRON ACCUMULATION, PLA2G6-RELATED. Identifiers: Orphanet 35069, MedGen C1857747, MONDO:0012444, OMIM 610217.
Inborn genetic diseases. Identifiers: MedGen C0950123, MeSH D030342.
PLA2G6-associated neurodegeneration (PLAN). Also called: phospholipase A2-associated neurodegeneration. Identifiers: Orphanet 329303, MedGen CN204472, MONDO:0017998.

Allele frequency attached by ClinVar (database versions not stated): gnomAD exomes 0.00002; TOPMed 0.00007; gnomAD 0.00006 and 0.00005; ESP Exome Variant Server 0.00008.
gnomAD v4.1: 26 of 1,554,190 alleles (0.0017%); highest among the groups gnomAD compares: Admixed American, 0.015%; no homozygotes.

Submissions (5):

Ambry Genetics
Classification: Uncertain significance for Inborn genetic diseases. Last evaluated: 2025-11-24. Review status: criteria provided, single submitter. Criteria: Ambry Variant Classification Scheme 2023. Collection method: clinical testing. Allele origin: germline.

Broad Center for Mendelian Genomics, Broad Institute of MIT and Harvard
Classification: Uncertain significance for PLA2G6-associated neurodegeneration. Last evaluated: 2025-04-30. Review status: criteria provided, single submitter. Criteria: ACMG Guidelines, 2015. Collection method: curation. Allele origin: germline. Inheritance: Autosomal recessive inheritance.
Comment: The p.Arg747Gln variant in PLA2G6 has been reported in 1 individual with PLA2G6-associated neurodegeneration (PMID: 35861376), but has been identified in 0.015% (8/51770) of Latino/Admixed American chromosomes by the Genome Aggregation Database (gnomAD; dbSNP ID: rs587784351). Although this variant has been seen in the general population in a heterozygous state, its frequency is not high enough to rule out a pathogenic role. This variant has also been reported in ClinVar (VCV000851527.14) and has been interpreted as a variant of uncertain significance by Fulgent Genetics, Ambry Genetics, GeneDx, and Labcorp Genetics. Computational prediction tools and conservation analyses suggest that this variant may impact the protein, though this information is not predictive enough to determine pathogenicity. One additional pathogenic variant, resulting in a different amino acid change at the same position, p.Arg747Trp, has been reported in association with disease in ClinVar, supporting that a change at this position may not be tolerated (VCV000006204.10). In summary, the clinical significance of the p.Arg747Gln variant is uncertain. ACMG/AMP Criteria applied: PM5, PP3 (Richards 2015).

GeneDx
Classification: Uncertain significance. Last evaluated: 2024-09-24. Review status: criteria provided, single submitter. Criteria: GeneDx Variant Classification Process June 2021. Collection method: clinical testing. Allele origin: germline. Affected: yes.
Comment: Reported as a heterozygous variant in a patient with early-onset Parkinson's disease who also harbored a second variant (phase unknown) and a variant of uncertain significance in a different gene; however, no further clinical or segregation information was provided (PMID: 35861376); In silico analysis supports that this missense variant has a deleterious effect on protein structure/function; This variant is associated with the following publications: (PMID: 35861376)

Labcorp Genetics (formerly Invitae), Labcorp
Classification: Uncertain significance for Infantile neuroaxonal dystrophy. Last evaluated: 2022-10-03. Review status: criteria provided, single submitter. Criteria: Invitae Variant Classification Sherloc (09022015). Collection method: clinical testing. Allele origin: germline.
Comment: This sequence change replaces arginine, which is basic and polar, with glutamine, which is neutral and polar, at codon 747 of the PLA2G6 protein (p.Arg747Gln). The frequency data for this variant in the population databases is considered unreliable, as metrics indicate poor data quality at this position in the gnomAD database. This missense change has been observed in individual(s) with clinical features of autosomal recessive Parkinson disease (Invitae). ClinVar contains an entry for this variant (Variation ID: 851527). Advanced modeling of protein sequence and biophysical properties (such as structural, functional, and spatial information, amino acid conservation, physicochemical variation, residue mobility, and thermodynamic stability) performed at Invitae indicates that this missense variant is not expected to disrupt PLA2G6 protein function. Algorithms developed to predict the effect of sequence changes on RNA splicing suggest that this variant may create or strengthen a splice site. This variant disrupts the p.Arg747 amino acid residue in PLA2G6. Other variant(s) that disrupt this residue have been determined to be pathogenic (PMID: 18570303, 27127721, 28295203). This suggests that this residue is clinically significant, and that variants that disrupt this residue are likely to be disease-causing. In summary, the available evidence is currently insufficient to determine the role of this variant in disease. Therefore, it has been classified as a Variant of Uncertain Significance.

Fulgent Genetics
Classification: Uncertain significance for Infantile neuroaxonal dystrophy; Neurodegeneration with brain iron accumulation 2B; Autosomal recessive Parkinson disease 14. Last evaluated: 2022-03-15. Review status: criteria provided, single submitter. Criteria: ACMG Guidelines, 2015. Collection method: clinical testing. Allele origin: unknown.

Literature cited by the submitters: PubMed 35861376 (cited by Broad Center for Mendelian Genomics, Broad Institute of MIT and Harvard); PubMed 18570303 (cited by Labcorp Genetics (formerly Invitae), Labcorp); PubMed 27127721 (cited by Labcorp Genetics (formerly Invitae), Labcorp); PubMed 28295203 (cited by Labcorp Genetics (formerly Invitae), Labcorp).

NM_003560.4(PLA2G6):c.2240G>A (p.Arg747Gln)

Gene: PLA2G6 (phospholipase A2 group VI; minus strand). Cytogenetic location: 22q13.1.
Variant type: single nucleotide variant.
Coding change: c.2240G>A on transcript NM_003560.4 (MANE Select); coding-DNA position 2240, G replaced by A.
Protein change: p.Arg747Gln; replaces arginine 747 with glutamine.
Molecular consequence: missense variant.
Genome position (GRCh38, 1-based): chr22:38,112,540, C>T on the plus strand (G>A on the coding strand, the complement: PLA2G6 is on the minus strand). VCF-style: chr22-38112540-C-T. GRCh37 (hg19) VCF-style: chr22-38508547-C-T.
Other names: NM_003560.4(PLA2G6):c.2240G>A; p.Arg747Gln; c.2078G>A, p.Arg693Gln (NM_001004426.3, NM_001199562.3, NM_001349865.2 and 1 more transcripts); c.2240G>A, p.Arg747Gln (NM_001349864.2); c.1706G>A, p.Arg569Gln (NM_001349867.2); c.1562G>A, p.Arg521Gln (NM_001349868.2); c.1544G>A, p.Arg515Gln (NM_001349869.2); short protein forms R515Q, R521Q, R569Q, R693Q, R747Q.
Identifiers: ClinVar variation 851527 (VCV000851527.16), dbSNP rs376144077, ClinGen allele CA324177646.
Genomic context (GRCh38, chr22:38,112,540, plus strand): 5'-GGGCTGGGGCGGCTGAGCCCTCACCTGAAGTACTGGATGCCGACCATCTCGCACCAGGCC[C>T]GTGCCCGGTCCACAGCCCGCCCGTCTGGATCCGTGCACTGGTGAGAAGCAGCCTTGGTGA-3'
Protein context (NP_003551.2, residues 737-757): DPDGRAVDRA[Arg747Gln]AWCEMVGIQY